The following is an entry in ClinVar:

ClinVar aggregate classification (germline): Uncertain significance (1 of 4 stars; one submission).

Conditions:
Catecholaminergic polymorphic ventricular tachycardia (CVPT). Also called: Catecholamine-induced polymorphic ventricular tachycardia. Identifiers: Orphanet 3286, MedGen C5574922, MONDO:0017990.

Submission:

All of Us Research Program, National Institutes of Health
Classification: Uncertain significance for Catecholaminergic polymorphic ventricular tachycardia. Last evaluated: 2024-05-30. Review status: criteria provided, single submitter. Criteria: ACMG Guidelines, 2015. Collection method: clinical testing. Allele origin: germline. Inheritance: Autosomal dominant inheritance. Observed: 1 variant allele, 1 heterozygote.
Comment: This missense variant replaces valine with methionine at codon 2132 of the RYR2 protein. Computational prediction suggests that this variant may have deleterious impact on protein structure and function (internally defined REVEL score threshold >= 0.7, PMID: 27666373). To our knowledge, functional studies have not been reported for this variant. This variant has not been reported in individuals affected with RYR2-related disorders in the literature. This variant has not been identified in the general population by the Genome Aggregation Database (gnomAD). The available evidence is insufficient to determine the role of this variant in disease conclusively. Therefore, this variant is classified as a Variant of Uncertain Significance.

This study involves interpretation of variants in research participants for the purpose of population health screening. Participant phenotype was not available at the time of variant classification. Additional details can be found in publication PMID: 35346344, PMCID: PMC8962531

NM_001035.3(RYR2):c.6394G>A (p.Val2132Met)

Gene: RYR2 (ryanodine receptor 2; plus strand). Cytogenetic location: 1q43.
Variant type: single nucleotide variant.
Coding change: c.6394G>A on transcript NM_001035.3 (MANE Select); coding-DNA position 6394, G replaced by A.
Protein change: p.Val2132Met; replaces valine 2132 with methionine.
Molecular consequence: missense variant.
Genome position (GRCh38, 1-based): chr1:237,628,034, G>A. VCF-style: chr1-237628034-G-A. GRCh37 (hg19) VCF-style: chr1-237791334-G-A.
Other names: short protein forms V2132M.
Identifiers: ClinVar variation 3385762 (VCV003385762.1).